The following is an entry in ClinVar:

ClinVar aggregate classification (germline): Conflicting classifications of pathogenicity. Review status: criteria provided, conflicting classifications (1 of 4 stars). 2 submissions from 2 submitters: Uncertain significance (1); Likely benign (1). Last evaluated 2025-01-27.

Conditions:
JAG2-related disorder. Also called: JAG2-related condition.

Allele frequency attached by ClinVar (database versions not stated): gnomAD exomes 0.00004; TOPMed 0.00021; gnomAD 0.00008.
gnomAD v4.1: 68 of 1,463,972 alleles (0.0046%); highest among the groups gnomAD compares: Admixed American, 0.14%; no homozygotes.

Submissions (2):

PreventionGenetics, part of Exact Sciences
Classification: Likely benign for JAG2-related condition. Last evaluated: 2025-01-27. Review status: criteria provided, single submitter. Criteria: ACMG Guidelines, 2015. Collection method: clinical testing. Allele origin: germline.
Comment: This variant is classified as likely benign based on ACMG/AMP sequence variant interpretation guidelines (Richards et al. 2015 PMID: 25741868, with internal and published modifications).

Ambry Genetics
Classification: Uncertain significance. Last evaluated: 2021-08-10. Review status: criteria provided, single submitter. Criteria: Ambry Variant Classification Scheme 2023. Collection method: clinical testing. Allele origin: germline.

NM_002226.5(JAG2):c.364G>A (p.Gly122Ser)

Gene: JAG2 (jagged canonical Notch ligand 2; minus strand). Cytogenetic location: 14q32.33.
Variant type: single nucleotide variant.
Coding change: c.364G>A on transcript NM_002226.5 (MANE Select); coding-DNA position 364, G replaced by A.
Protein change: p.Gly122Ser; replaces glycine 122 with serine.
Molecular consequence: missense variant.
Genome position (GRCh38, 1-based): chr14:105,167,810, C>T on the plus strand (G>A on the coding strand, the complement: JAG2 is on the minus strand). VCF-style: chr14-105167810-C-T. GRCh37 (hg19) VCF-style: chr14-105634147-C-T.
Other names: c.364G>A, p.Gly122Ser (NM_145159.3); c.364G>A (NM_002226.4); short protein forms G122S.
Identifiers: ClinVar variation 2351463 (VCV002351463.3), dbSNP rs1013457771, ClinGen allele CA266512112.